The following is an entry in ClinVar:

ClinVar aggregate classification (germline): Uncertain significance. Review status: criteria provided, multiple submitters, no conflicts (2 of 4 stars). 4 submissions from 4 submitters: Uncertain significance (2). 2 of the submissions do not count toward it. Last evaluated 2023-11-21.

Conditions:
Mucopolysaccharidosis, MPS-III-C (MPS3C). Also called: mucopolysaccharidosis type 3C; MUCOPOLYSACCHARIDOSIS, TYPE IIIC; SANFILIPPO SYNDROME C; MPS III C; Mucopolysaccharidosis type IIIC (Sanfilippo C); MPS IIIC (Sanfilippo Syndrome Type C). Identifiers: Orphanet 581, Orphanet 79271, MedGen C0086649, MONDO:0009657, OMIM 252930.
HGSNAT-related disorder. Also called: HGSNAT-related condition.
Retinitis pigmentosa 73 (RP73). Identifiers: Orphanet 791, MedGen C4225287, MONDO:0014687, OMIM 616544.
Inborn genetic diseases. Identifiers: MedGen C0950123, MeSH D030342.

Allele frequency attached by ClinVar (database versions not stated): TOPMed 0.00020; gnomAD 0.00004 and 0.00005; gnomAD exomes 0.00001 and below 0.00001.
gnomAD v4.1: 12 of 1,610,074 alleles (0.00075%); highest among the groups gnomAD compares: Admixed American, 0.015%; no homozygotes.

Submissions (4):

Ambry Genetics
Classification: Uncertain significance for Inborn genetic diseases. Last evaluated: 2023-11-21. Review status: criteria provided, single submitter. Criteria: Ambry Variant Classification Scheme 2023. Collection method: clinical testing. Allele origin: germline.

Labcorp Genetics (formerly Invitae), Labcorp
Classification: Uncertain significance for Retinitis pigmentosa 73; Mucopolysaccharidosis, MPS-III-C. Last evaluated: 2022-08-16. Review status: criteria provided, single submitter. Criteria: Invitae Variant Classification Sherloc (09022015). Collection method: clinical testing. Allele origin: germline.
Comment: This sequence change replaces tryptophan, which is neutral and slightly polar, with arginine, which is basic and polar, at codon 231 of the HGSNAT protein (p.Trp231Arg). The frequency data for this variant in the population databases is considered unreliable, as metrics indicate poor data quality at this position in the gnomAD database. This variant has not been reported in the literature in individuals affected with HGSNAT-related conditions. ClinVar contains an entry for this variant (Variation ID: 936730). Advanced modeling of protein sequence and biophysical properties (such as structural, functional, and spatial information, amino acid conservation, physicochemical variation, residue mobility, and thermodynamic stability) performed at Invitae indicates that this missense variant is not expected to disrupt HGSNAT protein function. In summary, the available evidence is currently insufficient to determine the role of this variant in disease. Therefore, it has been classified as a Variant of Uncertain Significance.

PreventionGenetics, part of Exact Sciences
Classification: Uncertain significance for HGSNAT-related condition. Last evaluated: 2024-09-15. Review status: no assertion criteria provided. Collection method: clinical testing. Allele origin: germline. Not counted in ClinVar's aggregate classification.
Comment: The HGSNAT c.691T>C variant is predicted to result in the amino acid substitution p.Trp231Arg. To our knowledge, this variant has not been reported in the literature. This variant is reported in 0.0030% of alleles in individuals of Latino descent in gnomAD. At this time, the clinical significance of this variant is uncertain due to the absence of conclusive functional and genetic evidence.

Natera, Inc.
Classification: Uncertain significance for Mucopolysaccharidosis type IIIC. Last evaluated: 2021-01-10. Review status: no assertion criteria provided. Collection method: clinical testing. Allele origin: germline. Not counted in ClinVar's aggregate classification.

NM_152419.3(HGSNAT):c.691T>C (p.Trp231Arg)

Gene: HGSNAT (heparan-alpha-glucosaminide N-acetyltransferase; plus strand). Cytogenetic location: 8p11.21.
Variant type: single nucleotide variant.
Coding change: c.691T>C on transcript NM_152419.3 (MANE Select); coding-DNA position 691, T replaced by C.
Protein change: p.Trp231Arg; replaces tryptophan 231 with arginine.
Molecular consequence: missense variant. On other transcripts: 5 prime UTR variant (1).
Genome position (GRCh38, 1-based): chr8:43,170,642, T>C. VCF-style: chr8-43170642-T-C. GRCh37 (hg19) VCF-style: chr8-43025785-T-C.
Other names: c.691T>C, p.Trp231Arg (NM_001363227.2, NM_001363228.2); c.-143T>C (NM_001363229.2); short protein forms W231R.
Identifiers: ClinVar variation 936730 (VCV000936730.6), dbSNP rs980989948, ClinGen allele CA176064765.